The following is an entry in ClinVar:

ClinVar aggregate classification (germline): Uncertain significance (1 of 4 stars; one submission).

Conditions:
Leber congenital amaurosis 8 (LCA8). Identifiers: Orphanet 65, MedGen C3151202, MONDO:0013453, OMIM 613835.
Retinitis pigmentosa 12 (RP12). Also called: RP WITH OR WITHOUT PPRPE; RP WITH OR WITHOUT PRESERVED PARAARTERIOLE RETINAL PIGMENT EPITHELIUM; RETINITIS PIGMENTOSA WITH OR WITHOUT PARAARTERIOLAR PRESERVATION OF RETINAL PIGMENT EPITHELIUM. Identifiers: Orphanet 791, MedGen C1838647, MONDO:0010818, OMIM 600105.

Allele frequency attached by ClinVar (database versions not stated): gnomAD exomes below 0.00001.
gnomAD v4.1: 1 of 1,613,542 alleles (0.000062%); highest among the groups gnomAD compares: Non-Finnish European, 0.000085%; no homozygotes.

Submission:

Labcorp Genetics (formerly Invitae), Labcorp
Classification: Uncertain significance for Leber congenital amaurosis 8; Retinitis pigmentosa 12. Last evaluated: 2022-08-16. Review status: criteria provided, single submitter. Criteria: Invitae Variant Classification Sherloc (09022015). Collection method: clinical testing. Allele origin: germline.
Comment: In summary, the available evidence is currently insufficient to determine the role of this variant in disease. Therefore, it has been classified as a Variant of Uncertain Significance. Advanced modeling of protein sequence and biophysical properties (such as structural, functional, and spatial information, amino acid conservation, physicochemical variation, residue mobility, and thermodynamic stability) performed at Invitae indicates that this missense variant is not expected to disrupt CRB1 protein function. This variant has not been reported in the literature in individuals affected with CRB1-related conditions. This variant is present in population databases (no rsID available, gnomAD 0.0009%). This sequence change replaces alanine, which is neutral and non-polar, with threonine, which is neutral and polar, at codon 1337 of the CRB1 protein (p.Ala1337Thr).

NM_201253.3(CRB1):c.4009G>A (p.Ala1337Thr)

Gene: CRB1 (crumbs cell polarity complex component 1; plus strand). Cytogenetic location: 1q31.3.
Variant type: single nucleotide variant.
Coding change: c.4009G>A on transcript NM_201253.3 (MANE Select); coding-DNA position 4009, G replaced by A.
Protein change: p.Ala1337Thr; replaces alanine 1337 with threonine.
Molecular consequence: missense variant. On other transcripts: non-coding transcript variant (2).
Genome position (GRCh38, 1-based): chr1:197,477,667, G>A. VCF-style: chr1-197477667-G-A. GRCh37 (hg19) VCF-style: chr1-197446797-G-A.
Other names: c.3673G>A, p.Ala1225Thr (NM_001193640.2); c.3937G>A, p.Ala1313Thr (NM_001257965.2); c.2401G>A, p.Ala801Thr (NM_001257966.2); short protein forms A1313T, A1337T, A801T, A1225T.
Identifiers: ClinVar variation 2091063 (VCV002091063.4), dbSNP rs1184114108, ClinGen allele CA344035384.
Genomic context (GRCh38, chr1:197,477,667, plus strand): 5'-GAATATTTATTTGCCTTTGCTATAGAATTCGCATCCCAATGATTTCAATCTTTCCAGTTG[G>A]CAGATGACTTGATCTCCGACATTTTCACCACTATTGGCTCAGTGACTGTCGCCTTGTTAC-3'
Protein context (NP_957705.1, residues 1327-1347): FAGERCEVDL[Ala1337Thr]DDLISDIFTT